The following is an entry in ClinVar:

ClinVar aggregate classification (germline): Conflicting classifications of pathogenicity. Review status: criteria provided, conflicting classifications (1 of 4 stars). 2 submissions from 2 submitters: Uncertain significance (1); Likely benign (1). Last evaluated 2026-03-01.

Submissions (2):

CeGaT Center for Human Genetics Tuebingen
Classification: Likely benign. Last evaluated: 2026-03-01. Review status: criteria provided, single submitter. Criteria: CeGaT Center For Human Genetics Tuebingen Variant Classification Criteria Version 2. Collection method: clinical testing. Allele origin: germline. Affected: yes. Observed: 1 variant allele.
Comment: MEF2C-AS1: BS1

Breakthrough Genomics
Classification: Uncertain significance. Review status: criteria provided, single submitter. Criteria: ACMG Guidelines, 2015. Collection method: not provided. Allele origin: germline. Inheritance: Autosomal dominant inheritance. Affected: yes.

NM_001131005.2(MEF2C):c.-143+4144CCT[6]

Genes: MEF2C (myocyte enhancer factor 2C; minus strand), MEF2C-AS1 (MEF2C antisense RNA 1; plus strand). Cytogenetic location: 5q14.3.
Variant type: Microsatellite.
Coding change: c.-143+4144CCT[6] on transcript NM_001131005.2; six copies in a row of the 3-base unit CCT starting at c.-143+4144; the reference has seven copies in a row; one copy, 3 bases deleted.
Molecular consequence: intron variant. On other transcripts: non-coding transcript variant (3).
Genome position (GRCh38, 1-based): chr5:88,883,338-88,883,340, AGG deleted on the plus strand (CCT on the coding strand, the reverse complement: MEF2C is on the minus strand); deleting any 3 consecutive bases within chr5:88,883,338-88,883,360 gives the same sequence; the position shown is the placement nearest the transcript's 3' end. VCF-style (leftmost placement, unchanged base first): chr5-88883337-AAGG-A. GRCh37 (hg19) VCF-style: chr5-88179154-AAGG-A.
Other names: c.-140+4144CCT[6] (NM_001364329.2, NM_001364334.2); c.-143+4144CCT[6] (NM_001364330.2, NM_001193347.1); c.-143+1131CCT[6] (NM_001364345.2, NM_001364335.2).
Identifiers: ClinVar variation 354607 (VCV000354607.12), dbSNP rs567979916, ClinGen allele CA10625310.